The following is an entry in ClinVar:

NM_001148.6(ANK2):c.11327C>G (p.Thr3776Ser)

Gene: ANK2 (ankyrin 2; plus strand). Cytogenetic location: 4q26.
Variant type: single nucleotide variant.
Coding change: c.11327C>G on transcript NM_001148.6 (MANE Select); coding-DNA position 11327, C replaced by G.
Protein change: p.Thr3776Ser; replaces threonine 3776 with serine.
Molecular consequence: missense variant.
Genome position (GRCh38, 1-based): chr4:113,369,522, C>G. VCF-style: chr4-113369522-C-G. GRCh37 (hg19) VCF-style: chr4-114290678-C-G.
Other names: c.4886C>G, p.Thr1629Ser (NM_001354267.2, NM_001354276.2, NM_001354249.2 and 2 more transcripts); c.4874C>G, p.Thr1625Ser (NM_001354268.2); c.4859C>G, p.Thr1620Ser (NM_001354269.3); c.4847C>G, p.Thr1616Ser (NM_001354270.2, NM_001354253.2); c.4787C>G, p.Thr1596Ser (NM_001354271.2, NM_001354260.2, NM_001386151.1); c.4943C>G, p.Thr1648Ser (NM_001354272.2); c.4772C>G, p.Thr1591Ser (NM_001354273.2); c.4838C>G, p.Thr1613Ser (NM_001354274.2, NM_001386154.1); and 35 more; short protein forms T1618S, T1625S, T1633S, T1639S, T1657S, T1669S, T1681S, T1684S.
Identifiers: ClinVar variation 2797052 (VCV002797052.3), dbSNP rs1049357231, ClinGen allele CA103823640.

ClinVar aggregate classification (germline): Uncertain significance (1 of 4 stars; one submission).

Conditions:
Long QT syndrome (LQTS). Identifiers: MedGen C0023976, MeSH D008133, MONDO:0002442. Disease mechanism: loss of function. Inheritance: Various modes of inheritance.

Allele frequency attached by ClinVar (database versions not stated): gnomAD exomes below 0.00001.
gnomAD v4.1: 1 of 1,613,838 alleles (0.000062%); highest among the groups gnomAD compares: Non-Finnish European, 0.000085%; no homozygotes.

Submission:

Labcorp Genetics (formerly Invitae), Labcorp
Classification: Uncertain significance for Long QT syndrome. Last evaluated: 2025-06-12. Review status: criteria provided, single submitter. Criteria: Invitae Variant Classification Sherloc (09022015). Collection method: clinical testing. Allele origin: germline.
Comment: This sequence change replaces threonine, which is neutral and polar, with serine, which is neutral and polar, at codon 3776 of the ANK2 protein (p.Thr3776Ser). This variant is present in population databases (no rsID available, gnomAD 0.0009%). This variant has not been reported in the literature in individuals affected with ANK2-related conditions. ClinVar contains an entry for this variant (Variation ID: 2797052). An algorithm developed to predict the effect of missense changes on protein structure and function outputs the following: PolyPhen-2: "Benign". The serine amino acid residue is found in multiple mammalian species, which suggests that this missense change does not adversely affect protein function. In summary, the available evidence is currently insufficient to determine the role of this variant in disease. Therefore, it has been classified as a Variant of Uncertain Significance.